The following is an entry in ClinVar:

ClinVar aggregate classification (germline): Uncertain significance (1 of 4 stars; one submission).

Submission:

GeneDx
Classification: Uncertain significance. Last evaluated: 2024-07-14. Review status: criteria provided, single submitter. Criteria: GeneDx Variant Classification Process June 2021. Collection method: clinical testing. Allele origin: germline. Affected: yes.
Comment: Not observed at significant frequency in large population cohorts (gnomAD); In silico analysis indicates that this missense variant does not alter protein structure/function; Has not been previously published as pathogenic or benign to our knowledge

NM_001297595.2(SIN3B):c.2161G>A (p.Ala721Thr)

Gene: SIN3B (SIN3 transcription regulator family member B; plus strand). Cytogenetic location: 19p13.11.
Variant type: single nucleotide variant.
Coding change: c.2161G>A on transcript NM_001297595.2 (MANE Select); coding-DNA position 2161, G replaced by A.
Protein change: p.Ala721Thr; replaces alanine 721 with threonine.
Molecular consequence: missense variant.
Genome position (GRCh38, 1-based): chr19:16,869,814, G>A. VCF-style: chr19-16869814-G-A. GRCh37 (hg19) VCF-style: chr19-16980625-G-A.
Other names: c.931G>A, p.Ala311Thr (NM_001297597.2); c.2257G>A, p.Ala753Thr (NM_015260.4); short protein forms A311T, A721T, A753T.
Identifiers: ClinVar variation 3573675 (VCV003573675.1).